The following is an entry in ClinVar:

ClinVar aggregate classification (germline): Uncertain significance (1 of 4 stars; one submission).

Conditions:
Leber congenital amaurosis 6 (LCA6). Identifiers: Orphanet 65, MedGen C1854260, MONDO:0013446, OMIM 613826.
Cone-rod dystrophy 13 (CORD13). Identifiers: Orphanet 1872, MedGen C2750720, MONDO:0011987, OMIM 608194.

Submission:

Labcorp Genetics (formerly Invitae), Labcorp
Classification: Uncertain significance for Leber congenital amaurosis 6; Cone-rod dystrophy 13. Last evaluated: 2021-11-27. Review status: criteria provided, single submitter. Criteria: Invitae Variant Classification Sherloc (09022015). Collection method: clinical testing. Allele origin: germline.
Comment: Algorithms developed to predict the effect of missense changes on protein structure and function are either unavailable or do not agree on the potential impact of this missense change (SIFT: "Deleterious"; PolyPhen-2: "Benign"; Align-GVGD: "Class C15"). This variant has not been reported in the literature in individuals affected with RPGRIP1-related conditions. This variant is not present in population databases (gnomAD no frequency). This sequence change replaces glycine, which is neutral and non-polar, with arginine, which is basic and polar, at codon 624 of the RPGRIP1 protein (p.Gly624Arg). In summary, the available evidence is currently insufficient to determine the role of this variant in disease. Therefore, it has been classified as a Variant of Uncertain Significance.

NM_020366.4(RPGRIP1):c.1870G>C (p.Gly624Arg)

Gene: RPGRIP1 (RPGR interacting protein 1; plus strand). Cytogenetic location: 14q11.2.
Variant type: single nucleotide variant.
Coding change: c.1870G>C on transcript NM_020366.4 (MANE Select); coding-DNA position 1870, G replaced by C.
Protein change: p.Gly624Arg; replaces glycine 624 with arginine.
Molecular consequence: missense variant. On other transcripts: intron variant (3).
Genome position (GRCh38, 1-based): chr14:21,324,725, G>C. VCF-style: chr14-21324725-G-C. GRCh37 (hg19) VCF-style: chr14-21792884-G-C.
Other names: c.796G>C, p.Gly266Arg (NM_001377948.1, NM_001377949.1); c.688+2721G>C (NM_001377523.1, NM_001377950.1); c.190+2721G>C (NM_001377951.1); short protein forms G266R, G624R.
Identifiers: ClinVar variation 1480876 (VCV001480876.6), dbSNP rs2139227241, ClinGen allele CA388867078.